The following is an entry in ClinVar:

ClinVar aggregate classification (germline): Uncertain significance (1 of 4 stars; one submission).

Conditions:
Rhabdoid tumor predisposition syndrome 2 (RTPS2). Identifiers: Orphanet 231108, Orphanet 69077, MedGen C2750074, MONDO:0013224, OMIM 613325.

gnomAD v4.1: 1 of 1,613,932 alleles (0.000062%); no homozygotes.

Submission:

Labcorp Genetics (formerly Invitae), Labcorp
Classification: Uncertain significance for Rhabdoid tumor predisposition syndrome 2. Last evaluated: 2026-01-14. Review status: criteria provided, single submitter. Criteria: Invitae Variant Classification Sherloc (09022015). Collection method: clinical testing. Allele origin: germline.
Comment: This sequence change replaces glutamic acid, which is acidic and polar, with alanine, which is neutral and non-polar, at codon 1619 of the SMARCA4 protein (p.Glu1619Ala). This variant is not present in population databases (gnomAD no frequency). This variant has not been reported in the literature in individuals affected with SMARCA4-related conditions. Invitae Evidence Modeling of protein sequence and biophysical properties (such as structural, functional, and spatial information, amino acid conservation, physicochemical variation, residue mobility, and thermodynamic stability) indicates that this missense variant is not expected to disrupt SMARCA4 protein function with a negative predictive value of 80%. In summary, the available evidence is currently insufficient to determine the role of this variant in disease. Therefore, it has been classified as a Variant of Uncertain Significance.

NM_003072.5(SMARCA4):c.4760A>C (p.Glu1587Ala)

Gene: SMARCA4 (SWI/SNF related BAF chromatin remodeling complex subunit ATPase 4; plus strand). Cytogenetic location: 19p13.2.
Variant type: single nucleotide variant.
Coding change: c.4760A>C on transcript NM_003072.5 (MANE Select); coding-DNA position 4760, A replaced by C.
Protein change: p.Glu1587Ala; replaces glutamic acid 1587 with alanine.
Molecular consequence: missense variant. On other transcripts: non-coding transcript variant (1).
Genome position (GRCh38, 1-based): chr19:11,059,877, A>C. VCF-style: chr19-11059877-A-C. GRCh37 (hg19) VCF-style: chr19-11170553-A-C.
Other names: c.4760A>C, p.Glu1587Ala (NM_001128844.3); c.4670A>C, p.Glu1557Ala (NM_001128845.2); c.4667A>C, p.Glu1556Ala (NM_001128846.2); c.4661A>C, p.Glu1554Ala (NM_001128847.4, NM_001374457.1); c.4658A>C, p.Glu1553Ala (NM_001128848.2); c.4856A>C, p.Glu1619Ala (NM_001128849.3, NM_001387283.1); c.4757A>C, p.Glu1586Ala (NM_001411150.1); short protein forms E1554A, E1553A, E1586A, E1556A, E1557A, E1587A, E1619A.
Identifiers: ClinVar variation 4763414 (VCV004763414.1).